The following is an entry in ClinVar:

NM_001374259.2(IL12RB2):c.559C>T (p.Leu187Phe)

Gene: IL12RB2 (interleukin 12 receptor subunit beta 2; plus strand). Cytogenetic location: 1p31.3.
Variant type: single nucleotide variant.
Coding change: c.559C>T on transcript NM_001374259.2 (MANE Select); coding-DNA position 559, C replaced by T.
Protein change: p.Leu187Phe; replaces leucine 187 with phenylalanine.
Molecular consequence: missense variant. On other transcripts: non-coding transcript variant (2).
Genome position (GRCh38, 1-based): chr1:67,328,279, C>T. VCF-style: chr1-67328279-C-T. GRCh37 (hg19) VCF-style: chr1-67793962-C-T.
Other names: c.559C>T, p.Leu187Phe (NM_001559.3, NM_001258214.1, NM_001258215.1 and 2 more transcripts); short protein forms L187F.
Identifiers: ClinVar variation 3623238 (VCV003623238.2).
Genomic context (GRCh38, chr1:67,328,279, plus strand): 5'-TTAACCTGGCAGAAGCAATGTAAAGACATTTATTGTGACTATTTGGACTTTGGAATCAAC[C>T]TCACCCCTGAATCACCTGAATCCAATTTCACAGCCAAGGTTACTGCTGTCAATAGTCTTG-3'
Protein context (NP_001361188.1, residues 177-197): YCDYLDFGIN[Leu187Phe]TPESPESNFT

ClinVar aggregate classification (germline): Uncertain significance (1 of 4 stars; one submission).

gnomAD v4.1: 1 of 1,614,002 alleles (0.000062%); highest among the groups gnomAD compares: African/African-American, 0.0013%; no homozygotes.

Submission:

Labcorp Genetics (formerly Invitae), Labcorp
Classification: Uncertain significance. Last evaluated: 2024-06-16. Review status: criteria provided, single submitter. Criteria: Invitae Variant Classification Sherloc (09022015). Collection method: clinical testing. Allele origin: germline.
Comment: This sequence change replaces leucine, which is neutral and non-polar, with phenylalanine, which is neutral and non-polar, at codon 187 of the IL12RB2 protein (p.Leu187Phe). This variant is present in population databases (no rsID available, gnomAD 0.01%). This variant has not been reported in the literature in individuals affected with IL12RB2-related conditions. An algorithm developed to predict the effect of missense changes on protein structure and function (PolyPhen-2) suggests that this variant is likely to be disruptive. In summary, the available evidence is currently insufficient to determine the role of this variant in disease. Therefore, it has been classified as a Variant of Uncertain Significance.